The following is an entry in ClinVar:

ClinVar aggregate classification (germline): Likely benign. Review status: criteria provided, single submitter (1 of 4 stars). 2 submissions from 2 submitters: Likely benign (1). 1 of the submissions does not count toward it. Last evaluated 2023-03-23.

Conditions:
Hereditary cancer-predisposing syndrome. Also called: Neoplastic Syndromes, Hereditary; Hereditary neoplastic syndrome; Tumor predisposition; Hereditary Cancer Syndrome. Identifiers: Orphanet 140162, MedGen C0027672, MeSH D009386, MONDO:0015356.
Familial cancer of breast. Also called: BREAST CANCER, FAMILIAL; Hereditary breast cancer; hereditary breast carcinoma. Identifiers: Orphanet 227535, MedGen C0346153, MONDO:0016419, OMIM 114480. Disease mechanism: loss of function.

Submissions (2):

University of Washington Department of Laboratory Medicine, University of Washington
Classification: Likely benign for Hereditary cancer-predisposing syndrome. Last evaluated: 2023-03-23. Review status: criteria provided, single submitter. Criteria: Dines et al. (Genet Med. 2020). Collection method: curation. Allele origin: germline.
Comment: Missense variant in a coldspot region where missense variants are very unlikely to be pathogenic (PMID:31911673).

BRCA1 coldspot (exon 11 using historical exon numbering). Reclassification based on statistical prior probability

ClinVar Staff, National Center for Biotechnology Information (NCBI)
No classification provided. Condition: Familial cancer of breast. Review status: no classification provided. Collection method: literature only. Allele origin: germline. Affected: yes. Not counted in ClinVar's aggregate classification.

Literature cited by the submitters: PubMed 16515586 (cited by ClinVar Staff, National Center for Biotechnology Information (NCBI)).

NM_007294.4(BRCA1):c.3228A>T (p.Arg1076Ser)

Genes: BRCA1 (BRCA1 DNA repair associated; minus strand), LOC126862571 (BRD4-independent group 4 enhancer GRCh37_chr17:41243136-41244335; plus strand). Cytogenetic location: 17q21.31.
Variant type: single nucleotide variant.
Coding change: c.3228A>T on transcript NM_007294.4 (MANE Select); coding-DNA position 3228, A replaced by T.
Protein change: p.Arg1076Ser; replaces arginine 1076 with serine.
Molecular consequence: missense variant. On other transcripts: intron variant (137).
Genome position (GRCh38, 1-based): chr17:43,092,303, T>A on the plus strand (A>T on the coding strand, the complement: BRCA1 is on the minus strand). VCF-style: chr17-43092303-T-A. GRCh37 (hg19) VCF-style: chr17-41244320-T-A.
Other names: c.3228A>T, p.Arg1076Ser (NM_001407625.1, NM_001407626.1, NM_001407639.1 and 30 more transcripts); c.3225A>T, p.Arg1075Ser (NM_001407627.1, NM_001407628.1, NM_001407629.1 and 22 more transcripts); c.3219A>T, p.Arg1073Ser (NM_001407646.1, NM_001407647.1); c.3105A>T, p.Arg1035Ser (NM_001407648.1, NM_001407664.1, NM_001407665.1 and 19 more transcripts); c.3102A>T, p.Arg1034Ser (NM_001407649.1, NM_001407670.1, NM_001407671.1 and 11 more transcripts); c.3150A>T, p.Arg1050Ser (NM_001407653.1, NM_001407654.1, NM_001407655.1 and 4 more transcripts); c.3147A>T, p.Arg1049Ser (NM_001407659.1, NM_001407660.1, NM_001407661.1 and 1 more transcripts); c.3087A>T, p.Arg1029Ser (NM_001407692.1, NM_001407694.1, NM_001407695.1 and 29 more transcripts); and 41 more; short protein forms R1076S, R1029S, R1006S, R1009S, R1073S, R1028S, R949S, R964S.
Identifiers: ClinVar variation 54803 (VCV000054803.4), dbSNP rs397509048, ClinGen allele CA002092.
Genomic context (GRCh38, chr17:43,092,303, plus strand): 5'-TTGTTTATAGACCTCAGGTTGCAAAACCCCTAATCTAAGCATAGCATTCAATTTTGGCCC[T>A]CTGTTTCTACCTAGTTCTGCTTGAATGTTTTCATCACTGGAACCTATTTCATTAATACTG-3'
Protein context (NP_009225.1, residues 1066-1086): ENIQAELGRN[Arg1076Ser]GPKLNAMLRL